The following is an entry in ClinVar:

ClinVar aggregate classification (germline): Likely benign. Review status: criteria provided, single submitter (1 of 4 stars). 2 submissions from 2 submitters: Likely benign (1). 1 of the submissions does not count toward it. Last evaluated 2023-04-12.

Conditions:
TBK1-related disorder. Also called: TBK1-related condition.
Frontotemporal dementia and/or amyotrophic lateral sclerosis 4. Also called: FTDALS4. Identifiers: Orphanet 275872, MedGen C4225325, MONDO:0014641, OMIM 616439.

Allele frequency attached by ClinVar (database versions not stated): gnomAD exomes 0.00001; ExAC 0.00002.
gnomAD v4.1: 4 of 1,571,598 alleles (0.00025%); highest among the groups gnomAD compares: Admixed American, 0.0036%; no homozygotes.

Submissions (2):

Labcorp Genetics (formerly Invitae), Labcorp
Classification: Likely benign for Frontotemporal dementia and/or amyotrophic lateral sclerosis 4. Last evaluated: 2023-04-12. Review status: criteria provided, single submitter. Criteria: Invitae Variant Classification Sherloc (09022015). Collection method: clinical testing. Allele origin: germline.

PreventionGenetics, part of Exact Sciences
Classification: Likely benign for TBK1-related condition. Last evaluated: 2022-03-17. Review status: no assertion criteria provided. Collection method: clinical testing. Allele origin: germline. Not counted in ClinVar's aggregate classification.
Comment: This variant is classified as likely benign based on ACMG/AMP sequence variant interpretation guidelines (Richards et al. 2015 PMID: 25741868, with internal and published modifications).

NM_013254.4(TBK1):c.198T>C (p.Asn66=)

Gene: TBK1 (TANK binding kinase 1; plus strand). Cytogenetic location: 12q14.2.
Variant type: single nucleotide variant.
Coding change: c.198T>C on transcript NM_013254.4 (MANE Select); coding-DNA position 198, T replaced by C.
Protein change: p.Asn66=; no amino-acid change (asparagine 66 retained).
Molecular consequence: synonymous variant.
Genome position (GRCh38, 1-based): chr12:64,460,299, T>C. VCF-style: chr12-64460299-T-C. GRCh37 (hg19) VCF-style: chr12-64854079-T-C.
Other names: c.198T>C (NM_013254.3).
Identifiers: ClinVar variation 2972116 (VCV002972116.5), dbSNP rs761175293, ClinGen allele CA6668731.
Genomic context (GRCh38, chr12:64,460,299, plus strand): 5'-TCGTCCAGTGGATGTTCAAATGAGAGAATTTGAAGTGTTGAAAAAACTCAATCACAAAAA[T>C]ATTGTCAAATTATTTGCTATTGAAGAGGAGGTAAGTAGTAAAACTTCAATCTTATATTTA-3'
Protein context (NP_037386.1, residues 56-76): FEVLKKLNHK[Asn66=]IVKLFAIEEE